The following is an entry in ClinVar:

ClinVar aggregate classification (germline): Uncertain significance (1 of 4 stars; one submission).

Conditions:
Familial thoracic aortic aneurysm and aortic dissection (TAAD). Also called: Thoracic aortic aneurysms and dissections. Identifiers: Orphanet 91387, MedGen C4707243, MONDO:0019625.

Allele frequency attached by ClinVar (database versions not stated): gnomAD exomes below 0.00001.
gnomAD v4.1: 1 of 1,613,910 alleles (0.000062%); highest among the groups gnomAD compares: Non-Finnish European, 0.000085%; no homozygotes.

Submission:

Color Diagnostics, LLC DBA Color Health
Classification: Uncertain significance for Familial thoracic aortic aneurysm and aortic dissection. Last evaluated: 2023-12-05. Review status: criteria provided, single submitter. Criteria: ACMG Guidelines, 2015. Collection method: clinical testing. Allele origin: germline.
Comment: Variant of Uncertain Significance due to insufficient evidence: This missense variant replaces valine with isoleucine at codon 577 of the COL3A1 protein. Computational prediction tools and conservation analyses suggest that this variant may have deleterious impact on the protein function. Computational splicing tools suggest that this variant may not impact RNA splicing. To our knowledge, functional assays have not been performed for this variant nor has this variant been reported in individuals affected with cardiovascular disorders in the literature. This variant is rare in the general population and has been identified in 0/277264 chromosomes by the Genome Aggregation Database (gnomAD). Available evidence is insufficient to determine the role of this variant in disease conclusively.

NM_000090.4(COL3A1):c.1729G>A (p.Val577Ile)

Gene: COL3A1 (collagen type III alpha 1 chain; plus strand). Cytogenetic location: 2q32.2.
Variant type: single nucleotide variant.
Coding change: c.1729G>A on transcript NM_000090.4 (MANE Select); coding-DNA position 1729, G replaced by A.
Protein change: p.Val577Ile; replaces valine 577 with isoleucine.
Molecular consequence: missense variant.
Genome position (GRCh38, 1-based): chr2:188,996,464, G>A. VCF-style: chr2-188996464-G-A. GRCh37 (hg19) VCF-style: chr2-189861190-G-A.
Other names: short protein forms V577I.
Identifiers: ClinVar variation 927604 (VCV000927604.5), dbSNP rs1688321543, ClinGen allele CA349852790.